The following is an entry in ClinVar:

NM_015937.6(PIGT):c.293A>G (p.Tyr98Cys)

Gene: PIGT (phosphatidylinositol glycan anchor biosynthesis class T; plus strand). Cytogenetic location: 20q13.12.
Variant type: single nucleotide variant.
Coding change: c.293A>G on transcript NM_015937.6 (MANE Select); coding-DNA position 293, A replaced by G.
Protein change: p.Tyr98Cys; replaces tyrosine 98 with cysteine.
Molecular consequence: missense variant. On other transcripts: non-coding transcript variant (3), intron variant (1).
Genome position (GRCh38, 1-based): chr20:45,416,622, A>G. VCF-style: chr20-45416622-A-G. GRCh37 (hg19) VCF-style: chr20-44045262-A-G.
Other names: c.293A>G, p.Tyr98Cys (NM_001184728.3, NM_001184729.3); c.187+279A>G (NM_001184730.3); c.293A>G (NM_015937.4); short protein forms Y98C.
Identifiers: ClinVar variation 2176014 (VCV002176014.4), dbSNP rs1989994947, ClinGen allele CA409166234.

ClinVar aggregate classification (germline): Uncertain significance. Review status: criteria provided, multiple submitters, no conflicts (2 of 4 stars). 2 submissions from 2 submitters: Uncertain significance (2). Last evaluated 2025-12-03.

Conditions:
Multiple congenital anomalies-hypotonia-seizures syndrome 3 (MCAHS3). Also called: GLYCOSYLPHOSPHATIDYLINOSITOL BIOSYNTHESIS DEFECT 7. Identifiers: Orphanet 369837, MedGen C3809356, MONDO:0014165, OMIM 615398.
Inborn genetic diseases. Identifiers: MedGen C0950123, MeSH D030342.

Allele frequency attached by ClinVar (database versions not stated): TOPMed 0.00002.
gnomAD v4.1: 2 of 1,614,018 alleles (0.00012%); no homozygotes.

Submissions (2):

Ambry Genetics
Classification: Uncertain significance for Inborn genetic diseases. Last evaluated: 2025-12-03. Review status: criteria provided, single submitter. Criteria: Ambry Variant Classification Scheme 2023. Collection method: clinical testing. Allele origin: germline.

Labcorp Genetics (formerly Invitae), Labcorp
Classification: Uncertain significance for Multiple congenital anomalies-hypotonia-seizures syndrome 3. Last evaluated: 2022-08-22. Review status: criteria provided, single submitter. Criteria: Invitae Variant Classification Sherloc (09022015). Collection method: clinical testing. Allele origin: germline.
Comment: In summary, the available evidence is currently insufficient to determine the role of this variant in disease. Therefore, it has been classified as a Variant of Uncertain Significance. Algorithms developed to predict the effect of missense changes on protein structure and function are either unavailable or do not agree on the potential impact of this missense change (SIFT: "Tolerated"; PolyPhen-2: "Possibly Damaging"; Align-GVGD: "Class C0"). This variant has not been reported in the literature in individuals affected with PIGT-related conditions. This variant is not present in population databases (gnomAD no frequency). This sequence change replaces tyrosine, which is neutral and polar, with cysteine, which is neutral and slightly polar, at codon 98 of the PIGT protein (p.Tyr98Cys).